The following is an entry in ClinVar:

NM_001267550.2(TTN):c.23938+1G>T

Gene: TTN (titin; minus strand). Cytogenetic location: 2q31.2.
Variant type: single nucleotide variant.
Coding change: c.23938+1G>T on transcript NM_001267550.2 (MANE Select); the canonical splice donor site of the intron after coding-DNA position 23938, G replaced by T.
Molecular consequence: splice donor variant. On other transcripts: intron variant (3).
Genome position (GRCh38, 1-based): chr2:178,719,553, C>A on the plus strand (G>T on the coding strand, the complement: TTN is on the minus strand). VCF-style: chr2-178719553-C-A. GRCh37 (hg19) VCF-style: chr2-179584280-C-A.
Other names: c.13282+18529G>T (NM_003319.4); c.13858+18529G>T (NM_133437.4); c.13657+18529G>T (NM_133432.3); c.20206+1G>T (NM_133378.4); c.22987+1G>T (NM_001256850.1).
Identifiers: ClinVar variation 4992147 (VCV004992147.1).

ClinVar aggregate classification (germline): Likely pathogenic (1 of 4 stars; one submission).

Conditions:
TTN-related disorder. Also called: TTN-related disorders; TTN-related condition; TTN-related disease.

Submission:

PreventionGenetics, part of Exact Sciences
Classification: Likely pathogenic for TTN-related condition. Last evaluated: 2026-05-26. Review status: criteria provided, single submitter. Criteria: ACMG Guidelines, 2015. Collection method: clinical testing. Allele origin: germline.
Comment: The TTN c.23938+1G>T variant is predicted to disrupt the GT donor site and interfere with normal splicing. To our knowledge, this variant has not been reported in the literature or in a large population database (gnomAD), indicating this variant is rare. This variant affects the canonical splice donor site of an exon located in the I-band region of the TTN protein. RNAseq studies from heart tissue indicate this exon is not commonly included in TTN mRNA transcripts (PSI of 48%, Roberts et al. 2015. PubMed ID: 25589632). TTN loss-of- function variants occurring in non-constitutively expressed exons (PSI < 90%) are less likely to be disease causing for TTN cardiac-related disorders (Roberts et al. 2015. PubMed ID: 25589632; Schafer et al. 2017. PubMed ID: 27869827; Akhtar et al. 2020. PubMed ID: 32964742). However, many protein truncating and splice variants in these low PSI have been recently observed in severe recessive congenital titinopathies (Bryen et al. 2020. PubMed ID: 31660661; Oates et al. 2018. PubMed ID: 29691892; Chervinsky et al. 2018. PubMed ID: 29575618; Qi et al. 2023. PubMed ID: 36761691; Coppens et al. 2025. PubMed ID: 39853809). Many cases of recessive TTN-related myopathies in which the individual is compound heterozygous for two loss-of-function variants in TTN have also been reported (Ge et al. 2019. PubMed ID: 31053406; Oates et al. 2018. PubMed ID: 29691892; Rees et al. 2021. PubMed ID: 33449170). In summary, this variant is likely pathogenic for autosomal recessive TTN-related congenital titinopathies. However, it is uncertain if this variant would be causative for autosomal dominant TTN-related disorders.